The following is an entry in ClinVar:

ClinVar aggregate classification (germline): Uncertain significance (1 of 4 stars; one submission).

Allele frequency attached by ClinVar (database versions not stated): gnomAD exomes below 0.00001; TOPMed below 0.00001.
gnomAD v4.1: 5 of 1,614,070 alleles (0.00031%); highest among the groups gnomAD compares: Non-Finnish European, 0.00042%; no homozygotes.

Submission:

Labcorp Genetics (formerly Invitae), Labcorp
Classification: Uncertain significance. Last evaluated: 2022-10-05. Review status: criteria provided, single submitter. Criteria: Invitae Variant Classification Sherloc (09022015). Collection method: clinical testing. Allele origin: germline.
Comment: ClinVar contains an entry for this variant (Variation ID: 1476424). This sequence change replaces glutamine, which is neutral and polar, with proline, which is neutral and non-polar, at codon 1054 of the RP1 protein (p.Gln1054Pro). This variant is not present in population databases (gnomAD no frequency). This variant has not been reported in the literature in individuals affected with RP1-related conditions. Algorithms developed to predict the effect of missense changes on protein structure and function are either unavailable or do not agree on the potential impact of this missense change (SIFT: "Deleterious"; PolyPhen-2: "Benign"; Align-GVGD: "Class C15"). In summary, the available evidence is currently insufficient to determine the role of this variant in disease. Therefore, it has been classified as a Variant of Uncertain Significance.

NM_006269.2(RP1):c.3161A>C (p.Gln1054Pro)

Gene: RP1 (RP1 axonemal microtubule associated; plus strand). Cytogenetic location: 8q12.1.
Variant type: single nucleotide variant.
Coding change: c.3161A>C on transcript NM_006269.2 (MANE Select); coding-DNA position 3161, A replaced by C.
Protein change: p.Gln1054Pro; replaces glutamine 1054 with proline.
Molecular consequence: missense variant. On other transcripts: intron variant (1).
Genome position (GRCh38, 1-based): chr8:54,627,043, A>C. VCF-style: chr8-54627043-A-C. GRCh37 (hg19) VCF-style: chr8-55539603-A-C.
Other names: c.787+4755A>C (NM_001375654.1); short protein forms Q1054P.
Identifiers: ClinVar variation 1476424 (VCV001476424.6), dbSNP rs1806079803, ClinGen allele CA370995655.